The following is an entry in ClinVar:

NM_181882.3(PRX):c.3624G>C (p.Glu1208Asp)

Gene: PRX (periaxin; minus strand). Cytogenetic location: 19q13.2.
Variant type: single nucleotide variant.
Coding change: c.3624G>C on transcript NM_181882.3 (MANE Select); coding-DNA position 3624, G replaced by C.
Protein change: p.Glu1208Asp; replaces glutamic acid 1208 with aspartic acid.
Molecular consequence: missense variant. On other transcripts: 3 prime UTR variant (1).
Genome position (GRCh38, 1-based): chr19:40,394,728, C>G on the plus strand (G>C on the coding strand, the complement: PRX is on the minus strand). VCF-style: chr19-40394728-C-G. GRCh37 (hg19) VCF-style: chr19-40900635-C-G.
Other names: c.*3829G>C (NM_020956.2); short protein forms E1208D.
Identifiers: ClinVar variation 1014628 (VCV001014628.8), dbSNP rs1030878933, ClinGen allele CA308416794.

ClinVar aggregate classification (germline): Uncertain significance (1 of 4 stars; one submission).

Conditions:
Charcot-Marie-Tooth disease type 4. Also called: Charcot-Marie-Tooth disease, type IV; Charcot-Marie-Tooth, Type 4. Identifiers: Orphanet 64749, MedGen C4082197, MONDO:0018995.

Allele frequency attached by ClinVar (database versions not stated): gnomAD 0.00001; TOPMed 0.00001.
gnomAD v4.1: 2 of 1,612,956 alleles (0.00012%); highest among the groups gnomAD compares: Non-Finnish European, 0.00017%; no homozygotes.

Submission:

Labcorp Genetics (formerly Invitae), Labcorp
Classification: Uncertain significance for Charcot-Marie-Tooth disease type 4. Last evaluated: 2020-12-13. Review status: criteria provided, single submitter. Criteria: Invitae Variant Classification Sherloc (09022015). Collection method: clinical testing. Allele origin: germline.
Comment: This sequence change replaces glutamic acid with aspartic acid at codon 1208 of the PRX protein (p.Glu1208Asp). The glutamic acid residue is moderately conserved and there is a small physicochemical difference between glutamic acid and aspartic acid. This variant is not present in population databases (ExAC no frequency). This variant has not been reported in the literature in individuals with PRX-related conditions. In summary, the available evidence is currently insufficient to determine the role of this variant in disease. Therefore, it has been classified as a Variant of Uncertain Significance. Algorithms developed to predict the effect of missense changes on protein structure and function (SIFT, PolyPhen-2, Align-GVGD) all suggest that this variant is likely to be tolerated, but these predictions have not been confirmed by published functional studies and their clinical significance is uncertain.